The following is an entry in ClinVar:

ClinVar aggregate classification (germline): Likely benign (1 of 4 stars; one submission).

Allele frequency attached by ClinVar (database versions not stated): gnomAD 0.00013; TOPMed 0.00021; ExAC 0.00008; gnomAD exomes 0.00009.
gnomAD v4.1: 174 of 1,611,498 alleles (0.011%); highest among the groups gnomAD compares: Admixed American, 0.052%; no homozygotes.

Submission:

CeGaT Center for Human Genetics Tuebingen
Classification: Likely benign. Last evaluated: 2022-08-01. Review status: criteria provided, single submitter. Criteria: CeGaT Center For Human Genetics Tuebingen Variant Classification Criteria Version 2. Collection method: clinical testing. Allele origin: germline. Affected: yes. Observed: 1 variant allele.
Comment: ARMC2: BP4, BP7

NM_032131.6(ARMC2):c.654T>G (p.Ser218=)

Gene: ARMC2 (armadillo repeat containing 2; plus strand). Cytogenetic location: 6q21.
Variant type: single nucleotide variant.
Coding change: c.654T>G on transcript NM_032131.6 (MANE Select); coding-DNA position 654, T replaced by G.
Protein change: p.Ser218=; no amino-acid change (serine 218 retained).
Molecular consequence: synonymous variant.
Genome position (GRCh38, 1-based): chr6:108,876,333, T>G. VCF-style: chr6-108876333-T-G. GRCh37 (hg19) VCF-style: chr6-109197536-T-G.
Other names: c.159T>G, p.Ser53= (NM_001286609.2).
Identifiers: ClinVar variation 2656825 (VCV002656825.24), dbSNP rs751871044, ClinGen allele CA3949681.